The following is an entry in ClinVar:

NM_000169.3(GLA):c.243G>A (p.Trp81Ter)

Genes: GLA (galactosidase alpha; minus strand), RPL36A-HNRNPH2 (RPL36A-HNRNPH2 readthrough; plus strand). Cytogenetic location: Xq22.1.
Variant type: single nucleotide variant.
Coding change: c.243G>A on transcript NM_000169.3 (MANE Select); coding-DNA position 243, G replaced by A.
Protein change: p.Trp81Ter; replaces tryptophan 81 with a stop codon.
Molecular consequence: nonsense. On other transcripts: non-coding transcript variant (3), intron variant (2).
Genome position (GRCh38, 1-based): chrX:101,403,937, C>T on the plus strand (G>A on the coding strand, the complement: GLA is on the minus strand). VCF-style: chrX-101403937-C-T. GRCh37 (hg19) VCF-style: chrX-100658925-C-T.
Other names: c.366G>A, p.Trp122Ter (NM_001406747.1, NM_001406749.1); c.243G>A, p.Trp81Ter (NM_001406748.1); c.301-7999C>T (NM_001199973.2); c.178-7999C>T (NM_001199974.2); short protein forms W122*, W81*.
Identifiers: ClinVar variation 4087144 (VCV004087144.2).

ClinVar aggregate classification (germline): Pathogenic (1 of 4 stars; one submission).

Conditions:
Fabry disease. Also called: ALPHA-GALACTOSIDASE A DEFICIENCY; ANDERSON-FABRY DISEASE; CERAMIDE TRIHEXOSIDASE DEFICIENCY; GLA DEFICIENCY; HEREDITARY DYSTOPIC LIPIDOSIS; Angiokeratoma corporis diffusum. Identifiers: Orphanet 324, MedGen C0002986, MONDO:0010526, OMIM 301500, HP:0001071. Disease mechanism: Fabry disease is due to inactivating mutations in the X-linked GLA gene resulting in deficiency of the enzyme Alpha Galactosidase-A., loss of function.

Submission:

Genomenon, Inc
Classification: Pathogenic for Fabry disease. Last evaluated: 2026-09-08. Review status: criteria provided, single submitter. Criteria: Genomenon Sequence Variant Interpretation Standards - Updated. Collection method: curation. Allele origin: germline. Affected: yes.
Comment: GLA p.Trp81Ter (c.243G>A) is a nonsense variant that introduces a premature stop codon at amino acid position 81 and is predicted to result in a truncated or absent protein product. This variant has been observed in at least one proband with clinical features consistent with Fabry disease (PMID:22551898). It is absent or not present at a significant frequency in gnomAD. In conclusion, we classify GLA p.Trp81Ter (c.243G>A) as a pathogenic variant.

Literature cited by the submitters: PubMed 22551898.